The following is an entry in ClinVar:

ClinVar aggregate classification (germline): Uncertain significance. Review status: criteria provided, multiple submitters, no conflicts (2 of 4 stars). 3 submissions from 3 submitters: Uncertain significance (3). Last evaluated 2025-01-23.

Conditions:
Hereditary cancer-predisposing syndrome. Also called: Neoplastic Syndromes, Hereditary; Hereditary neoplastic syndrome; Tumor predisposition; Hereditary Cancer Syndrome. Identifiers: Orphanet 140162, MedGen C0027672, MeSH D009386, MONDO:0015356.
POLD1-related polyposis and colorectal cancer syndrome (CRCS10). Also called: Colorectal cancer 10; COLORECTAL CANCER, SUSCEPTIBILITY TO, ON CHROMOSOME 19q; Colorectal cancer, susceptibility to, 10. Identifiers: Orphanet 220460, MedGen C2675481, MONDO:0012953, OMIM 612591.

Allele frequency attached by ClinVar (database versions not stated): gnomAD exomes below 0.00001 and 0.00001; ExAC 0.00002; TOPMed 0.00002.
gnomAD v4.1: 10 of 1,612,676 alleles (0.00062%); highest among the groups gnomAD compares: South Asian, 0.0011%; no homozygotes.

Submissions (3):

Labcorp Genetics (formerly Invitae), Labcorp
Classification: Uncertain significance for POLD1-related polyposis and colorectal cancer syndrome. Last evaluated: 2025-01-23. Review status: criteria provided, single submitter. Criteria: Invitae Variant Classification Sherloc (09022015). Collection method: clinical testing. Allele origin: germline.
Comment: This sequence change replaces alanine, which is neutral and non-polar, with threonine, which is neutral and polar, at codon 860 of the POLD1 protein (p.Ala860Thr). This variant is present in population databases (rs768799892, gnomAD 0.005%). This variant has not been reported in the literature in individuals affected with POLD1-related conditions. ClinVar contains an entry for this variant (Variation ID: 469275). Invitae Evidence Modeling of protein sequence and biophysical properties (such as structural, functional, and spatial information, amino acid conservation, physicochemical variation, residue mobility, and thermodynamic stability) indicates that this missense variant is not expected to disrupt POLD1 protein function with a negative predictive value of 80%. In summary, the available evidence is currently insufficient to determine the role of this variant in disease. Therefore, it has been classified as a Variant of Uncertain Significance.

Ambry Genetics
Classification: Uncertain significance for Hereditary cancer-predisposing syndrome. Last evaluated: 2024-07-13. Review status: criteria provided, single submitter. Criteria: Ambry Variant Classification Scheme 2023. Collection method: clinical testing. Allele origin: germline.
Comment: The p.A860T variant (also known as c.2578G>A), located in coding exon 20 of the POLD1 gene, results from a G to A substitution at nucleotide position 2578. The alanine at codon 860 is replaced by threonine, an amino acid with similar properties. This amino acid position is conserved. In addition, this alteration is predicted to be tolerated by in silico analysis. Since supporting evidence is limited at this time, the clinical significance of this alteration remains unclear.

GeneDx
Classification: Uncertain significance. Last evaluated: 2024-04-07. Review status: criteria provided, single submitter. Criteria: GeneDx Variant Classification Process June 2021. Collection method: clinical testing. Allele origin: germline. Affected: yes.
Comment: Not observed at significant frequency in large population cohorts (gnomAD); In silico analysis supports that this missense variant has a deleterious effect on protein structure/function; Has not been previously published as pathogenic or benign to our knowledge

NM_002691.4(POLD1):c.2578G>A (p.Ala860Thr)

Gene: POLD1 (DNA polymerase delta 1, catalytic subunit; plus strand). Cytogenetic location: 19q13.33.
Variant type: single nucleotide variant.
Coding change: c.2578G>A on transcript NM_002691.4 (MANE Select); coding-DNA position 2578, G replaced by A.
Protein change: p.Ala860Thr; replaces alanine 860 with threonine.
Molecular consequence: missense variant. On other transcripts: non-coding transcript variant (1).
Genome position (GRCh38, 1-based): chr19:50,415,451, G>A. VCF-style: chr19-50415451-G-A. GRCh37 (hg19) VCF-style: chr19-50918708-G-A.
Other names: c.2578G>A, p.Ala860Thr (NM_001256849.1); c.2656G>A, p.Ala886Thr (NM_001308632.1); short protein forms A886T, A860T.
Identifiers: ClinVar variation 469275 (VCV000469275.14), dbSNP rs768799892, ClinGen allele CA9596592.
Genomic context (GRCh38, chr19:50,415,451, plus strand): 5'-GGCCCTCAGTGCCTTTTGGTGACGCTGTGCGGCCCGCTCTCCTACAGAGACCCTGAGGGC[G>A]CGGTGGCTCACGCACAGGACGTCATCTCGGACCTGCTGTGCAACCGCATCGATATCTCCC-3'
Protein context (NP_002682.2, residues 850-870): RLLIDRDPEG[Ala860Thr]VAHAQDVISD